The following is an entry in ClinVar:

NM_020796.5(SEMA6A):c.1730-1G>A

Genes: SEMA6A (semaphorin 6A; minus strand), SEMA6A-AS1 (SEMA6A antisense RNA 1; plus strand). Cytogenetic location: 5q23.1.
Variant type: single nucleotide variant.
Coding change: c.1730-1G>A on transcript NM_020796.5 (MANE Select); the canonical splice acceptor site of the intron before coding-DNA position 1730, G replaced by A.
Molecular consequence: splice acceptor variant.
Genome position (GRCh38, 1-based): chr5:116,467,748, C>T on the plus strand (G>A on the coding strand, the complement: SEMA6A is on the minus strand). VCF-style: chr5-116467748-C-T. GRCh37 (hg19) VCF-style: chr5-115803444-C-T.
Other names: c.1781-1G>A (NM_001300780.2).
Identifiers: ClinVar variation 4851623 (VCV004851623.1).

ClinVar aggregate classification (germline): Uncertain significance (1 of 4 stars; one submission).

Conditions:
SEMA6A-Related Disorder.

Submission:

Daryl Scott Lab, Baylor College of Medicine
Classification: Uncertain significance for SEMA6A-Related Disorder. Review status: criteria provided, single submitter. Criteria: ACMG Guidelines, 2015. Collection method: clinical testing. Allele origin: maternal. Affected: yes. Observed: 1 heterozygote.
Comment: PVS1_supporting, PM2